The following is an entry in ClinVar:

NM_002055.5(GFAP):c.760G>A (p.Glu254Lys)

Gene: GFAP (glial fibrillary acidic protein; minus strand). Cytogenetic location: 17q21.31.
Variant type: single nucleotide variant.
Coding change: c.760G>A on transcript NM_002055.5 (MANE Select); coding-DNA position 760, G replaced by A.
Protein change: p.Glu254Lys; replaces glutamic acid 254 with lysine.
Molecular consequence: missense variant.
Genome position (GRCh38, 1-based): chr17:44,913,289, C>T on the plus strand (G>A on the coding strand, the complement: GFAP is on the minus strand). VCF-style: chr17-44913289-C-T. GRCh37 (hg19) VCF-style: chr17-42990657-C-T.
Other names: c.760G>A, p.Glu254Lys (NM_001131019.3, NM_001242376.3, NM_001363846.2); c.760G>A (NM_002055.4); short protein forms E254K.
Identifiers: ClinVar variation 1433697 (VCV001433697.10), dbSNP rs745784904, ClinGen allele CA8608871.

ClinVar aggregate classification (germline): Uncertain significance. Review status: criteria provided, multiple submitters, no conflicts (2 of 4 stars). 4 submissions from 4 submitters: Uncertain significance (4). Last evaluated 2026-08-03.

Conditions:
Inborn genetic diseases. Identifiers: MedGen C0950123, MeSH D030342.
Alexander disease (ALXDRD). Also called: Alexander's disease. Identifiers: Orphanet 58, MedGen C0270726, MONDO:0008752, OMIM 203450.

Allele frequency attached by ClinVar (database versions not stated): gnomAD exomes 0.00002 and 0.00003; ExAC 0.00003; gnomAD 0.00001; TOPMed 0.00003.

Submissions (4):

Ambry Genetics
Classification: Uncertain significance for Inborn genetic diseases. Last evaluated: 2026-08-03. Review status: criteria provided, single submitter. Criteria: Ambry Variant Classification Scheme 2023. Collection method: clinical testing. Allele origin: germline.
Comment: The c.760G>A (p.E254K) alteration is located in exon 4 (coding exon 4) of the GFAP gene. This alteration results from a G to A substitution at nucleotide position 760, causing the glutamic acid (E) at amino acid position 254 to be replaced by a lysine (K). Based on data from gnomAD, the A allele has an overall frequency of 0.003% (9/282774) total alleles studied. The highest observed frequency was 0.02% (7/35436) of Latino alleles. Based on insufficient or conflicting evidence, the clinical significance of this alteration remains unclear.

Dasa
Classification: Uncertain significance for Alexander disease. Last evaluated: 2026-02-03. Review status: criteria provided, single submitter. Criteria: DASA Assertion Criteria. Collection method: clinical testing. Allele origin: germline.
Comment: NM_002055.5(GFAP):c.760G>A (p.Glu254Lys) is a missense variant that results in the substitution of glutamic acid with lysine. The affected residue or protein region has prior evidence supporting clinical relevance. This variant is rare in population databases. Computational prediction algorithms are consistent with a deleterious effect. The currently available literature and clinical evidence are not sufficient to establish a definitive association between this variant and the reported condition. Therefore, this variant is classified as a variant of uncertain significance.

Labcorp Genetics (formerly Invitae), Labcorp
Classification: Uncertain significance. Last evaluated: 2024-07-01. Review status: criteria provided, single submitter. Criteria: Invitae Variant Classification Sherloc (09022015). Collection method: clinical testing. Allele origin: germline.
Comment: This sequence change replaces glutamic acid, which is acidic and polar, with lysine, which is basic and polar, at codon 254 of the GFAP protein (p.Glu254Lys). This variant is present in population databases (rs745784904, gnomAD 0.01%). This variant has not been reported in the literature in individuals affected with GFAP-related conditions. This missense change has been observed in at least one individual who was not affected with GFAP-related conditions (Invitae). ClinVar contains an entry for this variant (Variation ID: 1433697). Advanced modeling of protein sequence and biophysical properties (such as structural, functional, and spatial information, amino acid conservation, physicochemical variation, residue mobility, and thermodynamic stability) has been performed at Invitae for this missense variant, however the output from this modeling did not meet the statistical confidence thresholds required to predict the impact of this variant on GFAP protein function. In summary, the available evidence is currently insufficient to determine the role of this variant in disease. Therefore, it has been classified as a Variant of Uncertain Significance.

Clinical Genomics Laboratory, Washington University in St. Louis
Classification: Uncertain significance for Alexander disease. Last evaluated: 2023-12-17. Review status: criteria provided, single submitter. Criteria: ACMG Guidelines, 2015. Collection method: clinical testing. Allele origin: germline.
Comment: The GFAP c.760G>A (p.Glu254Lys) variant, to our knowledge, has not been reported in the medical literature. The highest population minor allele frequency in the population database genome aggregation database (v.2.1.1) is 0.02% in the admixed American population. Computational predictors indicate that the variant is damaging, evidence that correlates with impact to GFAP function. This variant has been reported in the ClinVar database as a variant of uncertain significance by one submitter. Due to limited information, and based on ACMG/AMP guidelines for variant interpretation (Richards S et al., PMID: 25741868), the clinical significance of this variant is uncertain at this time.